The following is an entry in ClinVar:

ClinVar aggregate classification (germline): Uncertain significance (1 of 4 stars; one submission).

Allele frequency attached by ClinVar (database versions not stated): gnomAD 0.00050 and 0.00067.
gnomAD v4.1: 4 of 1,469,768 alleles (0.00027%); highest among the groups gnomAD compares: African/African-American, 0.012%; no homozygotes.

Submission:

Labcorp Genetics (formerly Invitae), Labcorp
Classification: Uncertain significance. Last evaluated: 2023-12-11. Review status: criteria provided, single submitter. Criteria: Invitae Variant Classification Sherloc (09022015). Collection method: clinical testing. Allele origin: germline.
Comment: This sequence change replaces glycine, which is neutral and non-polar, with serine, which is neutral and polar, at codon 394 of the ARHGEF18 protein (p.Gly394Ser). This variant is present in population databases (no rsID available, gnomAD 0.2%). This variant has not been reported in the literature in individuals affected with ARHGEF18-related conditions. ClinVar contains an entry for this variant (Variation ID: 1483049). An algorithm developed to predict the effect of missense changes on protein structure and function (PolyPhen-2) suggests that this variant is likely to be disruptive. In summary, the available evidence is currently insufficient to determine the role of this variant in disease. Therefore, it has been classified as a Variant of Uncertain Significance.

NM_001367823.1(ARHGEF18):c.1744G>A (p.Gly582Ser)

Gene: ARHGEF18 (Rho/Rac guanine nucleotide exchange factor 18; plus strand). Cytogenetic location: 19p13.2.
Variant type: single nucleotide variant.
Coding change: c.1744G>A on transcript NM_001367823.1 (MANE Select); coding-DNA position 1744, G replaced by A.
Protein change: p.Gly582Ser; replaces glycine 582 with serine.
Molecular consequence: missense variant.
Genome position (GRCh38, 1-based): chr19:7,451,155, G>A. VCF-style: chr19-7451155-G-A. GRCh37 (hg19) VCF-style: chr19-7516041-G-A.
Other names: c.1018G>A, p.Gly340Ser (NM_001130955.2); c.706G>A, p.Gly236Ser (NM_001367824.1, NM_015318.4); short protein forms G236S, G582S, G340S.
Identifiers: ClinVar variation 1483049 (VCV001483049.8), dbSNP rs1458628632, ClinGen allele CA403110436.